The following is an entry in ClinVar:

ClinVar aggregate classification (germline): Uncertain significance (1 of 4 stars; one submission).

Conditions:
RPGRIP1L-related disorder. Also called: RPGRIP1L-related disorders; RPGRIP1L-related condition. Identifiers: MedGen CN239416.

gnomAD v4.1: 2 of 702,424 alleles (0.00028%); highest among the groups gnomAD compares: South Asian, 0.0015%; no homozygotes.

Submission:

PreventionGenetics, part of Exact Sciences
Classification: Uncertain significance for RPGRIP1L-related condition. Last evaluated: 2024-10-07. Review status: criteria provided, single submitter. Criteria: ACMG Guidelines, 2015. Collection method: clinical testing. Allele origin: germline.
Comment: The RPGRIP1L c.365G>T variant is predicted to result in the amino acid substitution p.Gly122Val. To our knowledge, this variant has not been reported in the literature or in a large population database (gnomAD), indicating this variant is rare. At this time, the clinical significance of this variant is uncertain due to the absence of conclusive functional and genetic evidence.

NM_015272.5(RPGRIP1L):c.230+827G>T

Gene: RPGRIP1L (RPGRIP1 like; minus strand). Cytogenetic location: 16q12.2.
Variant type: single nucleotide variant.
Coding change: c.230+827G>T on transcript NM_015272.5 (MANE Select); 827 bases into the intron after coding-DNA position 230, G replaced by T.
Molecular consequence: intron variant. On other transcripts: missense variant (1).
Genome position (GRCh38, 1-based): chr16:53,695,324, C>A on the plus strand (G>T on the coding strand, the complement: RPGRIP1L is on the minus strand). VCF-style: chr16-53695324-C-A. GRCh37 (hg19) VCF-style: chr16-53729236-C-A.
Other names: c.365G>T, p.Gly122Val (NM_001328422.2); c.230+827G>T (NM_001127897.4, NM_001330538.2, NM_001308334.3); short protein forms G122V.
Identifiers: ClinVar variation 5000888 (VCV005000888.1).